The following is an entry in ClinVar:

NC_012920.1(MT-ND4):m.11577G>A

Gene: MT-ND4 (mitochondrially encoded NADH dehydrogenase 4; plus strand).
Variant type: single nucleotide variant.
Genome position: chrM-11577-G-A.
Identifiers: ClinVar variation 693369 (VCV000693369.1), dbSNP rs1603223344, ClinGen allele CA414810495.

ClinVar aggregate classification (germline): Uncertain significance (1 of 4 stars; one submission).

Conditions:
Leigh syndrome (NULS). Also called: Leigh's necrotizing encephalopathy; Leigh's disease; Leigh Syndrome (mtDNA deletion); Leigh Disease; Subacute necrotizing encephalopathy; Necrotizing encephalopathy infantile subacute of Leigh. Identifiers: Orphanet 506, MedGen C2931891, MONDO:0009723, OMIM 256000.

Submission:

Wong Mito Lab, Molecular and Human Genetics, Baylor College of Medicine
Classification: Uncertain significance for Leigh syndrome. Last evaluated: 2019-10-17. Review status: criteria provided, single submitter. Criteria: Modified ACMG Guidelines (Unpublished). Collection method: clinical testing. Allele origin: germline.
Comment: The NC_012920.1:m.11577G>A (YP_003024035.1:p.Ser273Asn) variant in MTND4 gene is interpretated to be a Uncertain Significance variant based on the modified ACMG guidelines (unpublished). This variant meets the following evidence codes: PP6, PP7